The following is an entry in ClinVar:

ClinVar aggregate classification (germline): Conflicting classifications of pathogenicity. Review status: criteria provided, conflicting classifications (1 of 4 stars). 5 submissions from 5 submitters: Uncertain significance (3); Likely benign (2). Last evaluated 2025-10-18.

Conditions:
Cardiovascular phenotype. Identifiers: MedGen CN230736.
MYPN-related disorder. Also called: MYPN-related condition.
Dilated cardiomyopathy 1KK (CMD1KK). Identifiers: Orphanet 154, Orphanet 75249, MedGen C3714995, MONDO:0014100, OMIM 615248.

Allele frequency attached by ClinVar (database versions not stated): TOPMed 0.00006; gnomAD 0.00013; ExAC 0.00014; 1000 Genomes Project 0.00020; 1000 Genomes Project 30x 0.00031.
gnomAD v4.1: 92 of 1,613,998 alleles (0.0057%); highest among the groups gnomAD compares: Admixed American, 0.11%; 1 homozygote.

Submissions (5):

Women's Health and Genetics/Laboratory Corporation of America, LabCorp
Classification: Uncertain significance. Last evaluated: 2025-10-18. Review status: criteria provided, single submitter. Criteria: LabCorp Variant Classification Summary - May 2015. Collection method: clinical testing. Allele origin: germline.

PreventionGenetics, part of Exact Sciences
Classification: Uncertain significance for MYPN-related condition. Last evaluated: 2025-08-16. Review status: criteria provided, single submitter. Criteria: ACMG Guidelines, 2015. Collection method: clinical testing. Allele origin: germline.
Comment: The MYPN c.1952C>A variant is predicted to result in the amino acid substitution p.Pro651Gln. To our knowledge, this variant has not been reported in the literature. This variant is reported in 0.11% of alleles in individuals of Latino descent in gnomAD. Although we suspect that this variant may be benign, at this time, the clinical significance of this variant is uncertain due to the absence of conclusive functional and genetic evidence.

Labcorp Genetics (formerly Invitae), Labcorp
Classification: Uncertain significance for Dilated cardiomyopathy 1KK. Last evaluated: 2022-09-27. Review status: criteria provided, single submitter. Criteria: Invitae Variant Classification Sherloc (09022015). Collection method: clinical testing. Allele origin: germline.
Comment: This sequence change replaces proline, which is neutral and non-polar, with glutamine, which is neutral and polar, at codon 651 of the MYPN protein (p.Pro651Gln). This variant is present in population databases (rs548318517, gnomAD 0.1%), including at least one homozygous and/or hemizygous individual. This variant has not been reported in the literature in individuals affected with MYPN-related conditions. ClinVar contains an entry for this variant (Variation ID: 477744). Algorithms developed to predict the effect of missense changes on protein structure and function are either unavailable or do not agree on the potential impact of this missense change (SIFT: "Tolerated"; PolyPhen-2: "Probably Damaging"; Align-GVGD: "Class C0"). In summary, the available evidence is currently insufficient to determine the role of this variant in disease. Therefore, it has been classified as a Variant of Uncertain Significance.

Ambry Genetics
Classification: Likely benign for Cardiovascular phenotype. Last evaluated: 2022-08-12. Review status: criteria provided, single submitter. Criteria: Ambry Variant Classification Scheme 2023. Collection method: clinical testing. Allele origin: germline.

GeneDx
Classification: Likely benign. Last evaluated: 2021-03-10. Review status: criteria provided, single submitter. Criteria: GeneDx Variant Classification Process June 2021. Collection method: clinical testing. Allele origin: germline. Affected: yes.

NM_032578.4(MYPN):c.1952C>A (p.Pro651Gln)

Gene: MYPN (myopalladin; plus strand). Cytogenetic location: 10q21.3.
Variant type: single nucleotide variant.
Coding change: c.1952C>A on transcript NM_032578.4 (MANE Select); coding-DNA position 1952, C replaced by A.
Protein change: p.Pro651Gln; replaces proline 651 with glutamine.
Molecular consequence: missense variant. On other transcripts: non-coding transcript variant (2).
Genome position (GRCh38, 1-based): chr10:68,166,645, C>A. VCF-style: chr10-68166645-C-A. GRCh37 (hg19) VCF-style: chr10-69926402-C-A.
Other names: c.1952C>A, p.Pro651Gln (NM_001256267.2); c.1070C>A, p.Pro357Gln (NM_001256268.2); short protein forms P651Q, P357Q.
Identifiers: ClinVar variation 477744 (VCV000477744.13), dbSNP rs548318517, ClinGen allele CA5522693.
Genomic context (GRCh38, chr10:68,166,645, plus strand): 5'-GGTTCAACGGACAGGCAACAAAAACCCCAGAGCCTTCTTCCCCCGTGAAAGAGCCCCCTC[C>A]AGTTCTGGCCAAACCCAAACTGTAAGTAAAAAGTAGGATGAATAACCAGGAGCTTCTGTG-3'
Protein context (NP_115967.2, residues 641-661): EPSSPVKEPP[Pro651Gln]VLAKPKLDST